The following is an entry in ClinVar:

ClinVar aggregate classification (germline): Uncertain significance (1 of 4 stars; one submission).

Conditions:
Combined immunodeficiency due to DOCK8 deficiency (HIES2). Also called: HIES autosomal recessive; Hyper-IgE recurrent infection syndrome, autosomal recessive; DOCK8 Deficiency; HYPER-IgE RECURRENT INFECTION SYNDROME 2, AUTOSOMAL RECESSIVE; HYPER-IgE SYNDROME 2, AUTOSOMAL RECESSIVE, WITH RECURRENT INFECTIONS. Identifiers: Orphanet 217390, MedGen C4722305, MONDO:0009478, OMIM 243700.

Allele frequency attached by ClinVar (database versions not stated): gnomAD exomes 0.00001; TOPMed 0.00001.
gnomAD v4.1: 11 of 1,614,150 alleles (0.00068%); highest among the groups gnomAD compares: Non-Finnish European, 0.00093%; no homozygotes.

Submission:

Labcorp Genetics (formerly Invitae), Labcorp
Classification: Uncertain significance for Combined immunodeficiency due to DOCK8 deficiency. Last evaluated: 2021-08-27. Review status: criteria provided, single submitter. Criteria: Invitae Variant Classification Sherloc (09022015). Collection method: clinical testing. Allele origin: germline.
Comment: This sequence change replaces serine with glycine at codon 139 of the DOCK8 protein (p.Ser139Gly). The serine residue is moderately conserved and there is a small physicochemical difference between serine and glycine. This variant is not present in population databases (ExAC no frequency). This variant has not been reported in the literature in individuals affected with DOCK8-related conditions. Algorithms developed to predict the effect of missense changes on protein structure and function (SIFT, PolyPhen-2, Align-GVGD) all suggest that this variant is likely to be tolerated. In summary, the available evidence is currently insufficient to determine the role of this variant in disease. Therefore, it has been classified as a Variant of Uncertain Significance.

NM_203447.4(DOCK8):c.415A>G (p.Ser139Gly)

Gene: DOCK8 (dedicator of cytokinesis 8; plus strand). Cytogenetic location: 9p24.3.
Variant type: single nucleotide variant.
Coding change: c.415A>G on transcript NM_203447.4 (MANE Select); coding-DNA position 415, A replaced by G.
Protein change: p.Ser139Gly; replaces serine 139 with glycine.
Molecular consequence: missense variant.
Genome position (GRCh38, 1-based): chr9:304,591, A>G. VCF-style: chr9-304591-A-G. GRCh37 (hg19) VCF-style: chr9-304591-A-G.
Other names: c.211A>G, p.Ser71Gly (NM_001190458.2, NM_001193536.2); short protein forms S139G, S71G.
Identifiers: ClinVar variation 1005299 (VCV001005299.6), dbSNP rs377658939, ClinGen allele CA372758746.